The following is an entry in ClinVar:

ClinVar aggregate classification (germline): Uncertain significance. Review status: criteria provided, multiple submitters, no conflicts (2 of 4 stars). 4 submissions from 4 submitters: Uncertain significance (4). Last evaluated 2026-07-20.

Conditions:
Autosomal recessive limb-girdle muscular dystrophy type 2J (LGMDR10). Also called: MUSCULAR DYSTROPHY, LIMB-GIRDLE, AUTOSOMAL RECESSIVE 10; Limb-girdle muscular dystrophy, type 2J. Identifiers: Orphanet 140922, MedGen C1837342, MONDO:0012127, OMIM 608807.
Dilated cardiomyopathy 1G (CMD1G). Identifiers: Orphanet 154, MedGen C1858763, MONDO:0011400, OMIM 604145.
TTN-related disorder. Also called: TTN-related condition; TTN-related disease; TTN-related disorders.
Cardiomyopathy (CMYO). Also called: Cardiomyopathies. Identifiers: Orphanet 167848, MedGen C0878544, MONDO:0004994, HP:0001638. Inheritance: Various modes of inheritance.

Allele frequency attached by ClinVar (database versions not stated): TOPMed 0.00002; ExAC 0.00003; gnomAD 0.00003 and 0.00004; gnomAD exomes 0.00004 and 0.00007.
gnomAD v4.1: 108 of 1,612,934 alleles (0.0067%); highest among the groups gnomAD compares: Admixed American, 0.0084%; no homozygotes.

Submissions (4):

PreventionGenetics, part of Exact Sciences
Classification: Uncertain significance for TTN-related condition. Last evaluated: 2026-07-20. Review status: criteria provided, single submitter. Criteria: ACMG Guidelines, 2015. Collection method: clinical testing. Allele origin: germline.
Comment: The TTN c.104694A>C variant is predicted to result in the amino acid substitution p.Arg34898Ser. To our knowledge, this variant has not been reported in the literature. This variant is reported in 0.0079% of alleles in individuals of European (Non-Finnish) descent in gnomAD. At this time, the clinical significance of this variant is uncertain due to the absence of conclusive functional and genetic evidence.

Labcorp Genetics (formerly Invitae), Labcorp
Classification: Uncertain significance for Dilated cardiomyopathy 1G; Autosomal recessive limb-girdle muscular dystrophy type 2J. Last evaluated: 2025-09-22. Review status: criteria provided, single submitter. Criteria: Invitae Variant Classification Sherloc (09022015). Collection method: clinical testing. Allele origin: germline.
Comment: This sequence change replaces arginine, which is basic and polar, with serine, which is neutral and polar, at codon 34898 of the TTN protein (p.Arg34898Ser). This variant is present in population databases (rs755502219, gnomAD 0.008%). This variant has not been reported in the literature in individuals affected with TTN-related conditions. ClinVar contains an entry for this variant (Variation ID: 595470). Experimental studies and prediction algorithms are not available or were not evaluated, and the functional significance of this variant is currently unknown. This variant is located in the M band of TTN (PMID: 25589632). Non-truncating variants in this region may be relevant for neuromuscular disorders, but have not been definitively shown to cause cardiomyopathy (PMID: 23975875). In summary, the available evidence is currently insufficient to determine the role of this variant in disease. Therefore, it has been classified as a Variant of Uncertain Significance.

CHEO Genetics Diagnostic Laboratory, Children's Hospital of Eastern Ontario
Classification: Uncertain significance for Cardiomyopathy. Last evaluated: 2021-11-16. Review status: criteria provided, single submitter. Criteria: ACMG Guidelines, 2015. Collection method: clinical testing. Allele origin: germline.

Eurofins Ntd Llc (ga)
Classification: Uncertain significance. Last evaluated: 2017-12-22. Review status: criteria provided, single submitter. Criteria: EGL Classification Definitions 2015. Collection method: clinical testing. Allele origin: germline. Observed: 2 variant alleles, 2 heterozygotes.

Literature cited by the submitters: PubMed 25589632 (cited by Labcorp Genetics (formerly Invitae), Labcorp); PubMed 23975875 (cited by Labcorp Genetics (formerly Invitae), Labcorp).

NM_001267550.2(TTN):c.104694A>C (p.Arg34898Ser)

Genes: TTN (titin; minus strand), TTN-AS1 (TTN antisense RNA 1; plus strand). Cytogenetic location: 2q31.2.
Variant type: single nucleotide variant.
Coding change: c.104694A>C on transcript NM_001267550.2 (MANE Select); coding-DNA position 104694, A replaced by C.
Protein change: p.Arg34898Ser; replaces arginine 34898 with serine.
Molecular consequence: missense variant.
Genome position (GRCh38, 1-based): chr2:178,531,921, T>G on the plus strand (A>C on the coding strand, the complement: TTN is on the minus strand). VCF-style: chr2-178531921-T-G. GRCh37 (hg19) VCF-style: chr2-179396648-T-G.
Other names: c.99771A>C, p.Arg33257Ser (NM_001256850.1); c.77499A>C, p.Arg25833Ser (NM_003319.4); c.96990A>C, p.Arg32330Ser (NM_133378.4); c.77874A>C, p.Arg25958Ser (NM_133432.3); c.78075A>C, p.Arg26025Ser (NM_133437.4); short protein forms R32330S, R34898S, R25833S, R26025S, R33257S, R25958S.
Identifiers: ClinVar variation 595470 (VCV000595470.19), dbSNP rs755502219, ClinGen allele CA1985378.